The following is an entry in ClinVar:

ClinVar aggregate classification (germline): Uncertain significance (1 of 4 stars; one submission).

Conditions:
Inborn genetic diseases. Identifiers: MedGen C0950123, MeSH D030342.

Submission:

Ambry Genetics
Classification: Uncertain significance for Inborn genetic diseases. Last evaluated: 2025-01-15. Review status: criteria provided, single submitter. Criteria: Ambry Variant Classification Scheme 2023. Collection method: clinical testing. Allele origin: germline.
Comment: The c.2550G>C (p.Q850H) alteration is located in exon 7 (coding exon 7) of the CDK13 gene. This alteration results from a G to C substitution at nucleotide position 2550, causing the glutamine (Q) at amino acid position 850 to be replaced by a histidine (H). This variant was not reported in population-based cohorts in the Genome Aggregation Database (gnomAD). This amino acid position is highly conserved in available vertebrate species. This missense alteration is located in a region that has a low rate of benign missense variation (Lek, 2016; Firth, 2009). The in silico prediction for this alteration is inconclusive. Based on insufficient or conflicting evidence, the clinical significance of this alteration remains unclear.

NM_003718.5(CDK13):c.2550G>C (p.Gln850His)

Gene: CDK13 (cyclin dependent kinase 13; plus strand). Cytogenetic location: 7p14.1.
Variant type: single nucleotide variant.
Coding change: c.2550G>C on transcript NM_003718.5 (MANE Select); coding-DNA position 2550, G replaced by C.
Protein change: p.Gln850His; replaces glutamine 850 with histidine.
Molecular consequence: missense variant.
Genome position (GRCh38, 1-based): chr7:40,047,827, G>C. VCF-style: chr7-40047827-G-C. GRCh37 (hg19) VCF-style: chr7-40087426-G-C.
Other names: c.2550G>C, p.Gln850His (NM_031267.4); short protein forms Q850H.
Identifiers: ClinVar variation 3489437 (VCV003489437.2).